The following is an entry in ClinVar:

NM_004990.4(MARS1):c.750G>A (p.Leu250=)

Gene: MARS1 (methionyl-tRNA synthetase 1; plus strand). Cytogenetic location: 12q13.3.
Variant type: single nucleotide variant.
Coding change: c.750G>A on transcript NM_004990.4 (MANE Select); coding-DNA position 750, G replaced by A.
Protein change: p.Leu250=; no amino-acid change (leucine 250 retained).
Molecular consequence: synonymous variant.
Genome position (GRCh38, 1-based): chr12:57,490,624, G>A. VCF-style: chr12-57490624-G-A. GRCh37 (hg19) VCF-style: chr12-57884407-G-A.
Identifiers: ClinVar variation 5039753 (VCV005039753.1).

ClinVar aggregate classification (germline): Likely benign (1 of 4 stars; one submission).

gnomAD v4.1: 2 of 1,614,074 alleles (0.00012%); highest among the groups gnomAD compares: Non-Finnish European, 0.000085%; no homozygotes.

Submission:

CeGaT Center for Human Genetics Tuebingen
Classification: Likely benign. Last evaluated: 2026-07-01. Review status: criteria provided, single submitter. Criteria: CeGaT Center For Human Genetics Tuebingen Variant Classification Criteria Version 2. Collection method: clinical testing. Allele origin: germline. Affected: yes. Observed: 1 variant allele.
Comment: MARS1: BP4, BP7